The following is an entry in ClinVar:

NM_001844.5(COL2A1):c.2486C>A (p.Pro829His)

Gene: COL2A1 (collagen type II alpha 1 chain; minus strand). Cytogenetic location: 12q13.11.
Variant type: single nucleotide variant.
Coding change: c.2486C>A on transcript NM_001844.5 (MANE Select); coding-DNA position 2486, C replaced by A.
Protein change: p.Pro829His; replaces proline 829 with histidine.
Molecular consequence: missense variant.
Genome position (GRCh38, 1-based): chr12:47,980,946, G>T on the plus strand (C>A on the coding strand, the complement: COL2A1 is on the minus strand). VCF-style: chr12-47980946-G-T. GRCh37 (hg19) VCF-style: chr12-48374729-G-T.
Other names: c.2486C>A (NM_001844.4); c.2279C>A, p.Pro760His (NM_033150.3); short protein forms P829H, P760H.
Identifiers: ClinVar variation 2872649 (VCV002872649.5), dbSNP rs375253238, ClinGen allele CA236523418.

ClinVar aggregate classification (germline): Uncertain significance. Review status: criteria provided, multiple submitters, no conflicts (2 of 4 stars). 3 submissions from 3 submitters: Uncertain significance (3). Last evaluated 2025-10-13.

Conditions:
Inborn genetic diseases. Identifiers: MedGen C0950123, MeSH D030342.

gnomAD v4.1: 10 of 1,552,340 alleles (0.00064%); highest among the groups gnomAD compares: Non-Finnish European, 0.00087%; no homozygotes.

Submissions (3):

Labcorp Genetics (formerly Invitae), Labcorp
Classification: Uncertain significance. Last evaluated: 2025-10-13. Review status: criteria provided, single submitter. Criteria: Invitae Variant Classification Sherloc (09022015). Collection method: clinical testing. Allele origin: germline.
Comment: This sequence change replaces proline, which is neutral and non-polar, with histidine, which is basic and polar, at codon 829 of the COL2A1 protein (p.Pro829His). This variant is not present in population databases (gnomAD no frequency). This variant has not been reported in the literature in individuals affected with COL2A1-related conditions. ClinVar contains an entry for this variant (Variation ID: 2872649). Invitae Evidence Modeling of protein sequence and biophysical properties (such as structural, functional, and spatial information, amino acid conservation, physicochemical variation, residue mobility, and thermodynamic stability) indicates that this missense variant is not expected to disrupt COL2A1 protein function with a negative predictive value of 95%. In summary, the available evidence is currently insufficient to determine the role of this variant in disease. Therefore, it has been classified as a Variant of Uncertain Significance.

Ambry Genetics
Classification: Uncertain significance for Inborn genetic diseases. Last evaluated: 2025-08-22. Review status: criteria provided, single submitter. Criteria: Ambry Variant Classification Scheme 2023. Collection method: clinical testing. Allele origin: germline.

Blueprint Genetics
Classification: Uncertain significance. Last evaluated: 2022-08-31. Review status: criteria provided, single submitter. Criteria: ACMG Guidelines, 2015. Collection method: clinical testing. Allele origin: germline.